The following is an entry in ClinVar:

ClinVar aggregate classification (germline): Uncertain significance (1 of 4 stars; one submission).

Conditions:
Inborn genetic diseases. Identifiers: MedGen C0950123, MeSH D030342.

Submission:

Ambry Genetics
Classification: Uncertain significance for Inborn genetic diseases. Last evaluated: 2025-11-19. Review status: criteria provided, single submitter. Criteria: Ambry Variant Classification Scheme 2023. Collection method: clinical testing. Allele origin: germline.
Comment: The p.L1393V variant (also known as c.4177C>G), located in coding exon 1 of the SAMD9L gene, results from a C to G substitution at nucleotide position 4177. The leucine at codon 1393 is replaced by valine, an amino acid with highly similar properties. This amino acid position is conserved. In addition, this alteration is predicted to be tolerated by in silico analysis. Based on the available evidence, the clinical significance of this variant remains unclear.

NM_152703.5(SAMD9L):c.4177C>G (p.Leu1393Val)

Gene: SAMD9L (sterile alpha motif domain containing 9 like; minus strand). Cytogenetic location: 7q21.2.
Variant type: single nucleotide variant.
Coding change: c.4177C>G on transcript NM_152703.5 (MANE Select); coding-DNA position 4177, C replaced by G.
Protein change: p.Leu1393Val; replaces leucine 1393 with valine.
Molecular consequence: missense variant.
Genome position (GRCh38, 1-based): chr7:93,131,795, G>C on the plus strand (C>G on the coding strand, the complement: SAMD9L is on the minus strand). VCF-style: chr7-93131795-G-C. GRCh37 (hg19) VCF-style: chr7-92761108-G-C.
Other names: c.4177C>G, p.Leu1393Val (NM_001303496.3, NM_001303497.3, NM_001303498.3 and 5 more transcripts); short protein forms L1393V.
Identifiers: ClinVar variation 4630131 (VCV004630131.1).
Genomic context (GRCh38, chr7:93,131,795, plus strand): 5'-CCTCTCGGAGTTGTTTTTTTAGCGTGGTAAGTGGTTGAATTAACTTGGAGTTGGGCTTTA[G>C]ACAACTCAGAATAATGTTGGCCAAAATGGAATTTTGTTTCTCATTTGTCATGGGCTTTTT-3'
Protein context (NP_689916.2, residues 1383-1403): SILANIILSC[Leu1393Val]KPNSKLIQPL